The following is an entry in ClinVar:

NM_001031710.3(KLHL7):c.15G>A (p.Gly5=)

Gene: KLHL7 (kelch like family member 7; plus strand). Cytogenetic location: 7p15.3.
Variant type: single nucleotide variant.
Coding change: c.15G>A on transcript NM_001031710.3 (MANE Select); coding-DNA position 15, G replaced by A.
Protein change: p.Gly5=; no amino-acid change (glycine 5 retained).
Molecular consequence: synonymous variant. On other transcripts: non-coding transcript variant (2).
Genome position (GRCh38, 1-based): chr7:23,106,041, G>A. VCF-style: chr7-23106041-G-A. GRCh37 (hg19) VCF-style: chr7-23145660-G-A.
Other names: c.15G>A, p.Gly5= (NM_001172428.2); c.15G>A (NM_001031710.2).
Identifiers: ClinVar variation 1615876 (VCV001615876.10), dbSNP rs753287578, ClinGen allele CA4186213.

ClinVar aggregate classification (germline): Likely benign. Review status: criteria provided, multiple submitters, no conflicts (2 of 4 stars). 3 submissions from 3 submitters: Likely benign (3). Last evaluated 2026-01-13.

Conditions:
KLHL7-related disorder. Also called: KLHL7-related disorders; KLHL7-related condition.

Allele frequency attached by ClinVar (database versions not stated): gnomAD 0.00001 and 0.00004; TOPMed 0.00001; gnomAD exomes 0.00002; ExAC 0.00006.
gnomAD v4.1: 32 of 1,610,342 alleles (0.002%); highest among the groups gnomAD compares: East Asian, 0.027%; no homozygotes.

Submissions (3):

PreventionGenetics, part of Exact Sciences
Classification: Likely benign for KLHL7-related condition. Last evaluated: 2026-01-13. Review status: criteria provided, single submitter. Criteria: ACMG Guidelines, 2015. Collection method: clinical testing. Allele origin: germline.
Comment: This variant is classified as likely benign based on ACMG/AMP sequence variant interpretation guidelines (Richards et al. 2015 PMID: 25741868, with internal and published modifications).

Labcorp Genetics (formerly Invitae), Labcorp
Classification: Likely benign. Last evaluated: 2021-11-01. Review status: criteria provided, single submitter. Criteria: Invitae Variant Classification Sherloc (09022015). Collection method: clinical testing. Allele origin: germline.

Blueprint Genetics
Classification: Likely benign. Last evaluated: 2021-04-28. Review status: criteria provided, single submitter. Criteria: ACMG Guidelines, 2015. Collection method: clinical testing. Allele origin: germline.